The following is an entry in ClinVar:

ClinVar aggregate classification (germline): Uncertain significance. Review status: criteria provided, multiple submitters, no conflicts (2 of 4 stars). 2 submissions from 2 submitters: Uncertain significance (2). Last evaluated 2025-09-18.

Conditions:
Autosomal dominant limb-girdle muscular dystrophy type 1D (DNAJB6) (LGMDD1). Also called: MUSCULAR DYSTROPHY, LIMB-GIRDLE, TYPE 1D; Autosomal dominant limb-girdle muscular dystrophy type 1D; Muscular dystrophy, limb-girdle, autosomal dominant 1; MUSCULAR DYSTROPHY, AUTOSOMAL DOMINANT, WITH RIMMED VACUOLES. Identifiers: Orphanet 34516, MedGen C4721885, MONDO:0021018, OMIM 603511.
Inborn genetic diseases. Identifiers: MedGen C0950123, MeSH D030342.

gnomAD v4.1: 14 of 1,605,252 alleles (0.00087%); highest among the groups gnomAD compares: Admixed American, 0.0035%; no homozygotes.

Submissions (2):

Labcorp Genetics (formerly Invitae), Labcorp
Classification: Uncertain significance for Autosomal dominant limb-girdle muscular dystrophy type 1D (DNAJB6). Last evaluated: 2025-09-18. Review status: criteria provided, single submitter. Criteria: Invitae Variant Classification Sherloc (09022015). Collection method: clinical testing. Allele origin: germline.
Comment: This sequence change replaces phenylalanine, which is neutral and non-polar, with tyrosine, which is neutral and polar, at codon 122 of the DNAJB6 protein (p.Phe122Tyr). This variant is present in population databases (rs375208186, gnomAD 0.003%). This variant has not been reported in the literature in individuals affected with DNAJB6-related conditions. ClinVar contains an entry for this variant (Variation ID: 3273039). Invitae Evidence Modeling of protein sequence and biophysical properties (such as structural, functional, and spatial information, amino acid conservation, physicochemical variation, residue mobility, and thermodynamic stability) indicates that this missense variant is not expected to disrupt DNAJB6 protein function with a negative predictive value of 80%. In summary, the available evidence is currently insufficient to determine the role of this variant in disease. Therefore, it has been classified as a Variant of Uncertain Significance.

Ambry Genetics
Classification: Uncertain significance for Inborn genetic diseases. Last evaluated: 2024-06-07. Review status: criteria provided, single submitter. Criteria: Ambry Variant Classification Scheme 2023. Collection method: clinical testing. Allele origin: germline.

NM_058246.4(DNAJB6):c.365T>A (p.Phe122Tyr)

Gene: DNAJB6 (DnaJ heat shock protein family (Hsp40) member B6; plus strand). Cytogenetic location: 7q36.3.
Variant type: single nucleotide variant.
Coding change: c.365T>A on transcript NM_058246.4 (MANE Select); coding-DNA position 365, T replaced by A.
Protein change: p.Phe122Tyr; replaces phenylalanine 122 with tyrosine.
Molecular consequence: missense variant. On other transcripts: intron variant (1).
Genome position (GRCh38, 1-based): chr7:157,382,264, T>A. VCF-style: chr7-157382264-T-A. GRCh37 (hg19) VCF-style: chr7-157174958-T-A.
Other names: c.365T>A, p.Phe122Tyr (NM_005494.3); c.346+14781T>A (NM_001363676.1); short protein forms F122Y.
Identifiers: ClinVar variation 3273039 (VCV003273039.2).